The following is an entry in ClinVar:

ClinVar aggregate classification (germline): Conflicting classifications of pathogenicity. Review status: criteria provided, conflicting classifications (1 of 4 stars). 3 submissions from 3 submitters: Likely pathogenic (1); Uncertain significance (2). Last evaluated 2026-06-19.

Conditions:
Hyperinsulinemic hypoglycemia, familial, 1 (HHF1). Also called: Persistent hyperinsulinemic hypoglycemia of infancy; HYPERINSULINISM, FAMILIAL, WITH PANCREATIC NESIDIOBLASTOSIS; HYPOGLYCEMIA, HYPERINSULINEMIC, OF INFANCY; NESIDIOBLASTOSIS OF PANCREAS; Persistent Hyperinsulinemia Hypoglycemia of Infancy. Identifiers: Orphanet 276575, Orphanet 276598, MedGen C2931832, MONDO:0009734, OMIM 256450.
ABCC8-related disorder.

Allele frequency attached by ClinVar (database versions not stated): ExAC 0.00001.

Submissions (3):

Myriad Genetics, Inc.
Classification: Likely pathogenic for Hyperinsulinemic hypoglycemia, familial, 1. Last evaluated: 2026-06-19. Review status: criteria provided, single submitter. Criteria: Myriad Autosomal Dominant, Autosomal Recessive and X-Linked Classification Criteria (2023). Collection method: clinical testing. Allele origin: unknown.
Comment: NM_000352.3(ABCC8):c.929A>T(D310V) is a missense variant classified as likely pathogenic in the context of familial hyperinsulinism, ABCC8-related. D310V has been observed in a case with relevant disease (PMID: 17236890). Relevant functional assessments of this variant are not available in the literature. D310V has not been observed in referenced population frequency databases. In summary, NM_000352.3(ABCC8):c.929A>T(D310V) is a missense variant that has internal structural support for pathogenicity and has been observed more frequently in cases with the relevant disease than in healthy populations. Please note: this variant was assessed in the context of healthy population screening.

Broad Center for Mendelian Genomics, Broad Institute of MIT and Harvard
Classification: Uncertain significance for Hyperinsulinemic hypoglycemia, familial, 1. Last evaluated: 2023-08-16. Review status: criteria provided, single submitter. Criteria: ACMG Guidelines, 2015. Collection method: curation. Allele origin: germline. Inheritance: Autosomal recessive inheritance.
Comment: The p.Asp310Val variant in ABCC8 has been reported in at least 1 individual, in the compound heterozygous state, with hyperinsulinemic hypoglycemia (PMID: 17236890), and has been identified in 0.02% (1/6128) of other chromosomes by the Genome Aggregation Database (gnomAD; dbSNP {dbSNPrsNumber}). Data from large population studies is insufficient to assess the frequency of this variant. Computational prediction tools and conservation analyses suggest that this variant may impact the protein, though this information is not predictive enough to determine pathogenicity. In summary, the clinical significance of the p.Asp310Val variant is uncertain. ACMG/AMP Criteria applied: PM3, PP3 (Richards 2015).

PreventionGenetics, part of Exact Sciences
Classification: Uncertain significance for ABCC8-related condition. Last evaluated: 2022-08-21. Review status: criteria provided, single submitter. Criteria: ACMG Guidelines, 2015. Collection method: clinical testing. Allele origin: germline.
Comment: The ABCC8 c.929A>T variant is predicted to result in the amino acid substitution p.Asp310Val. This variant has been reported in individuals with congenital hyperinsulinism (Hardy et al 2007. PubMed ID: 17236890; Snider KE et al 2012. PubMed ID: 23275527). However, a second variant was not identified. This variant is reported in 0.04% of alleles in individuals in gnomAD. Although we suspect that this variant may be pathogenic, at this time, the clinical significance of this variant is uncertain due to the absence of conclusive functional and genetic evidence.

Literature cited by the submitters: PubMed 17236890 (cited by Myriad Genetics, Inc.).

NM_000352.6(ABCC8):c.929A>T (p.Asp310Val)

Gene: ABCC8 (ATP binding cassette subfamily C member 8; minus strand). Cytogenetic location: 11p15.1.
Variant type: single nucleotide variant.
Coding change: c.929A>T on transcript NM_000352.6 (MANE Select); coding-DNA position 929, A replaced by T.
Protein change: p.Asp310Val; replaces aspartic acid 310 with valine.
Molecular consequence: missense variant. On other transcripts: non-coding transcript variant (1).
Genome position (GRCh38, 1-based): chr11:17,460,570, T>A on the plus strand (A>T on the coding strand, the complement: ABCC8 is on the minus strand). VCF-style: chr11-17460570-T-A. GRCh37 (hg19) VCF-style: chr11-17482117-T-A.
Other names: NM_001287174.3:c.929A>T; c.929A>T (NM_000352.4); c.929A>T, p.Asp310Val (NM_001287174.3, NM_001351295.2); c.926A>T, p.Asp309Val (NM_001351296.2, NM_001351297.2); short protein forms D309V, D310V.
Identifiers: ClinVar variation 2576215 (VCV002576215.3), dbSNP rs761869476, ClinGen allele CA5903723.
Genomic context (GRCh38, chr11:17,460,570, plus strand): 5'-TCCTTCCCAAGGTGGTCCACGATCCCAAAGATGCACAGTGGCCCGGCGAAGCCCAGCAGG[T>A]CGGCCAAGATGCGGAAAGTGCTGCTGAGGACCAGGCGCCTCCCGAAGGCATGGCTGAGTG-3'
Protein context (NP_000343.2, residues 300-320): VLSSTFRILA[Asp310Val]LLGFAGPLCI